The following is an entry in ClinVar:

ClinVar aggregate classification (germline): Uncertain significance. Review status: criteria provided, multiple submitters, no conflicts (2 of 4 stars). 2 submissions from 2 submitters: Uncertain significance (2). Last evaluated 2025-11-01.

Conditions:
Congenital myopathy 22A, classic (CMYO22A). Identifiers: MedGen C5830453, MONDO:0957247, OMIM 620351.
Hypokalemic periodic paralysis, type 2 (HOKPP2). Identifiers: Orphanet 681, MedGen C2750061, MONDO:0013234, OMIM 613345.
Hyperkalemic periodic paralysis. Also called: Gamstorp disease; Familial hyperkalemic periodic paralysis. Identifiers: Orphanet 682, MedGen C0238357, MONDO:0008224, OMIM 170500, HP:0007215.
Congenital myopathy 22B, severe fetal (CMYO22B). Identifiers: MedGen C5830501, MONDO:0957265, OMIM 620369.
Congenital myasthenic syndrome 16. Identifiers: Orphanet 590, MedGen C3280112, MONDO:0013620, OMIM 614198.
Potassium-aggravated myotonia. Also called: MYOTONIA CONGENITA, ACETAZOLAMIDE-RESPONSIVE; MYOTONIA CONGENITA, ATYPICAL; SODIUM CHANNEL MUSCLE DISEASE; Myotonia congenita, atypical, acetazolamide-responsive. Identifiers: Orphanet 612, Orphanet 99734, Orphanet 99735, Orphanet 99736, MedGen C2931826, MONDO:0018959, OMIM 608390.
Paramyotonia congenita of Von Eulenburg. Also called: PARALYSIS PERIODICA PARAMYOTONICA; Eulenburg disease; Myotonia congenita intermittens; Von Eulenburg paramyotonia congenita; Paramyotonia Congenita. Identifiers: Orphanet 684, MedGen C0221055, MONDO:0008195, OMIM 168300. Disease mechanism: loss of function.

Submissions (2):

Labcorp Genetics (formerly Invitae), Labcorp
Classification: Uncertain significance for Hyperkalemic periodic paralysis. Last evaluated: 2025-11-01. Review status: criteria provided, single submitter. Criteria: Invitae Variant Classification Sherloc (09022015). Collection method: clinical testing. Allele origin: germline.
Comment: This sequence change falls in intron 8 of the SCN4A gene. It does not directly change the encoded amino acid sequence of the SCN4A protein. It affects a nucleotide within the consensus splice site. This variant is not present in population databases (gnomAD no frequency). This variant has not been reported in the literature in individuals affected with SCN4A-related conditions. ClinVar contains an entry for this variant (Variation ID: 3582701). Variants that disrupt the consensus splice site are a relatively common cause of aberrant splicing (PMID: 17576681, 9536098). Algorithms developed to predict the effect of sequence changes on RNA splicing suggest that this variant is not likely to affect RNA splicing. In summary, the available evidence is currently insufficient to determine the role of this variant in disease. Therefore, it has been classified as a Variant of Uncertain Significance.

Fulgent Genetics
Classification: Uncertain significance for Paramyotonia congenita of Von Eulenburg; Hyperkalemic periodic paralysis; Potassium-aggravated myotonia; Hypokalemic periodic paralysis, type 2; Congenital myasthenic syndrome 16; Congenital myopathy 22A, classic; Congenital myopathy 22B, severe fetal. Last evaluated: 2024-04-23. Review status: criteria provided, single submitter. Criteria: ACMG Guidelines, 2015. Collection method: clinical testing. Allele origin: germline.

Literature cited by the submitters: PubMed 17576681 (cited by Labcorp Genetics (formerly Invitae), Labcorp); PubMed 9536098 (cited by Labcorp Genetics (formerly Invitae), Labcorp).

NM_000334.4(SCN4A):c.1242+6G>T

Gene: SCN4A (sodium voltage-gated channel alpha subunit 4; minus strand). Cytogenetic location: 17q23.3.
Variant type: single nucleotide variant.
Coding change: c.1242+6G>T on transcript NM_000334.4 (MANE Select); 6 bases into the intron after coding-DNA position 1242, G replaced by T.
Molecular consequence: intron variant.
Genome position (GRCh38, 1-based): chr17:63,966,096, C>A on the plus strand (G>T on the coding strand, the complement: SCN4A is on the minus strand). VCF-style: chr17-63966096-C-A. GRCh37 (hg19) VCF-style: chr17-62043456-C-A.
Identifiers: ClinVar variation 3582701 (VCV003582701.2).
Genomic context (GRCh38, chr17:63,966,096, plus strand): 5'-GAAGAGGCTGCAGGGATGGAGGGGGAGTGGCTGTAGGGTTGGGGGGCAGGGTGGGGGCAG[C>A]TGTACCAGCTGGAAGAGGTTCTCCCAATAGTCCTGTGTCATGAGGCGGAAGAGAGCCAAG-3'